The following is an entry in ClinVar:

NM_001195263.2(PDZD7):c.1694C>T (p.Ala565Val)

Gene: PDZD7 (PDZ domain containing 7; minus strand). Cytogenetic location: 10q24.31.
Variant type: single nucleotide variant.
Coding change: c.1694C>T on transcript NM_001195263.2 (MANE Select); coding-DNA position 1694, C replaced by T.
Protein change: p.Ala565Val; replaces alanine 565 with valine.
Molecular consequence: missense variant.
Genome position (GRCh38, 1-based): chr10:101,015,691, G>A on the plus strand (C>T on the coding strand, the complement: PDZD7 is on the minus strand). VCF-style: chr10-101015691-G-A. GRCh37 (hg19) VCF-style: chr10-102775448-G-A.
Other names: short protein forms A565V.
Identifiers: ClinVar variation 1966658 (VCV001966658.2), dbSNP rs1040393175, ClinGen allele CA212981940.

ClinVar aggregate classification (germline): Uncertain significance (1 of 4 stars; one submission).

Allele frequency attached by ClinVar (database versions not stated): gnomAD exomes 0.00001; gnomAD 0.00003; TOPMed 0.00003.
gnomAD v4.1: 24 of 1,550,308 alleles (0.0015%); highest among the groups gnomAD compares: African/African-American, 0.0096%; no homozygotes.

Submission:

Labcorp Genetics (formerly Invitae), Labcorp
Classification: Uncertain significance. Last evaluated: 2022-06-12. Review status: criteria provided, single submitter. Criteria: Invitae Variant Classification Sherloc (09022015). Collection method: clinical testing. Allele origin: germline.
Comment: This sequence change replaces alanine, which is neutral and non-polar, with valine, which is neutral and non-polar, at codon 565 of the PDZD7 protein (p.Ala565Val). This variant is present in population databases (no rsID available, gnomAD 0.007%). This variant has not been reported in the literature in individuals affected with PDZD7-related conditions. Algorithms developed to predict the effect of missense changes on protein structure and function are either unavailable or do not agree on the potential impact of this missense change (SIFT: "Deleterious"; PolyPhen-2: "Not Available"; Align-GVGD: "Class C0"). In summary, the available evidence is currently insufficient to determine the role of this variant in disease. Therefore, it has been classified as a Variant of Uncertain Significance.